The following is an entry in ClinVar:

ClinVar aggregate classification (germline): Conflicting classifications of pathogenicity. Review status: criteria provided, conflicting classifications (1 of 4 stars). 2 submissions from 2 submitters: Uncertain significance (1); Likely benign (1). Last evaluated 2023-04-10.

Conditions:
Xeroderma pigmentosum (XP). Identifiers: Orphanet 910, MedGen C0043346, MONDO:0019600.

Allele frequency attached by ClinVar (database versions not stated): TOPMed below 0.00001; gnomAD 0.00001.
gnomAD v4.1: 1 of 1,613,930 alleles (0.000062%); highest among the groups gnomAD compares: Middle Eastern, 0.017%; no homozygotes.

Submissions (2):

Labcorp Genetics (formerly Invitae), Labcorp
Classification: Likely benign. Last evaluated: 2023-04-10. Review status: criteria provided, single submitter. Criteria: Invitae Variant Classification Sherloc (09022015). Collection method: clinical testing. Allele origin: germline.

Sema4
Classification: Uncertain significance for Xeroderma pigmentosum. Last evaluated: 2021-10-18. Review status: criteria provided, single submitter. Criteria: Sema4 Curation Guidelines. Collection method: curation. Allele origin: germline.
Comment: The XPC c.2116-10T>C variant has not been reported in the literature to our knowledge. It was not observed in the large and broad cohorts of the Genome Aggregation Database. The variant has been reported in ClinVar (Variation ID: 1106761). Splice site prediction tools suggest the variant does not disrupt normal splicing, however these predictions have not been confirmed by transcriptional studies. There is no indication that this variant causes disease, but the evidence is insufficient currently to prove that conclusively. Thus, the clinical significance of this variant is currently uncertain.

NM_004628.5(XPC):c.2116-10T>C

Gene: XPC (XPC complex subunit, DNA damage recognition and repair factor; minus strand). Cytogenetic location: 3p25.1.
Variant type: single nucleotide variant.
Coding change: c.2116-10T>C on transcript NM_004628.5 (MANE Select); 10 bases into the intron before coding-DNA position 2116, T replaced by C.
Molecular consequence: intron variant.
Genome position (GRCh38, 1-based): chr3:14,148,958, A>G on the plus strand (T>C on the coding strand, the complement: XPC is on the minus strand). VCF-style: chr3-14148958-A-G. GRCh37 (hg19) VCF-style: chr3-14190458-A-G.
Other names: c.2098-10T>C (NM_001354729.2); c.1537-10T>C (NM_001354726.2); c.1870-10T>C (NM_001354730.2); c.2110-10T>C (NM_001354727.2).
Identifiers: ClinVar variation 1106761 (VCV001106761.10), dbSNP rs1695570524, ClinGen allele CA1346951089.